The following is an entry in ClinVar:

ClinVar aggregate classification (germline): Uncertain significance (1 of 4 stars; one submission).

gnomAD v4.1: 10 of 1,614,008 alleles (0.00062%); highest among the groups gnomAD compares: South Asian, 0.0022%; no homozygotes.

Submission:

Women's Health and Genetics/Laboratory Corporation of America, LabCorp
Classification: Uncertain significance. Last evaluated: 2025-03-26. Review status: criteria provided, single submitter. Criteria: LabCorp Variant Classification Summary - May 2015. Collection method: clinical testing. Allele origin: germline.
Comment: Variant summary: F7 c.415C>T (p.Arg139Trp) results in a non-conservative amino acid change in the encoded protein sequence. Four of five in-silico tools predict a damaging effect of the variant on protein function. The variant allele was found at a frequency of 8e-06 in 251294 control chromosomes (gnomAD). c.415C>T has been reported in the literature in individuals affected with Congenital factor VII deficiency (e.g. Takamiya_1993, Millar_2000). These data indicate that the variant may be associated with disease. To our knowledge, no experimental evidence demonstrating an impact on protein function has been reported. The following publications have been ascertained in the context of this evaluation (PMID: 8242057, 11129332). No submitters have cited clinical-significance assessments for this variant to ClinVar. Based on the evidence outlined above, the variant was classified as VUS-possibly pathogenic.

Literature cited by the submitters: PubMed 11129332; PubMed 8242057.

NM_019616.4(F7):c.349C>T (p.Arg117Trp)

Gene: F7 (coagulation factor VII; plus strand). Cytogenetic location: 13q34.
Variant type: single nucleotide variant.
Coding change: c.349C>T on transcript NM_019616.4 (MANE Select); coding-DNA position 349, C replaced by T.
Protein change: p.Arg117Trp; replaces arginine 117 with tryptophan.
Molecular consequence: missense variant. On other transcripts: non-coding transcript variant (1).
Genome position (GRCh38, 1-based): chr13:113,113,945, C>T. VCF-style: chr13-113113945-C-T. GRCh37 (hg19) VCF-style: chr13-113768259-C-T.
Other names: c.415C>T, p.Arg139Trp (NM_000131.5); c.163C>T, p.Arg55Trp (NM_001267554.2); short protein forms R117W, R139W, R55W.
Identifiers: ClinVar variation 3895931 (VCV003895931.1).